The following is an entry in ClinVar:

ClinVar aggregate classification (germline): Uncertain significance (1 of 4 stars; one submission).

Conditions:
Oxoglutaricaciduria. Identifiers: Orphanet 31, MedGen C2752074, MONDO:0008759, OMIM 203740.

Allele frequency attached by ClinVar (database versions not stated): gnomAD exomes below 0.00001; gnomAD 0.00001.
gnomAD v4.1: 2 of 1,613,442 alleles (0.00012%); highest among the groups gnomAD compares: South Asian, 0.0022%; no homozygotes.

Submission:

Illumina Laboratory Services, Illumina
Classification: Uncertain significance for Oxoglutaricaciduria. Last evaluated: 2023-06-12. Review status: criteria provided, single submitter. Criteria: ICSLVariantClassificationCriteria RUGD 01 April 2020. Collection method: clinical testing. Allele origin: unknown.
Comment: The DLST c.1307T>A, p.(Leu436His) missense variant has not, to our knowledge, been reported in the peer-reviewed literature. This variant is reported in the Genome Aggregation Database in one allele at a frequency of 0.000033 in the South Asian population (version 2.1.1). The p.Leu436His variant is located in the catalytic domain of the protein. Multiple lines of computational evidence suggest the variant may impact the gene or gene product. Based on the available evidence, the c.1307T>A (p.Leu436His) variant is classified as a variant of uncertain significance for alpha-ketoglutarate dehydrogenase deficiency.

NM_001933.5(DLST):c.1307T>A (p.Leu436His)

Gene: DLST (dihydrolipoamide S-succinyltransferase; plus strand). Cytogenetic location: 14q24.3.
Variant type: single nucleotide variant.
Coding change: c.1307T>A on transcript NM_001933.5 (MANE Select); coding-DNA position 1307, T replaced by A.
Protein change: p.Leu436His; replaces leucine 436 with histidine.
Molecular consequence: missense variant. On other transcripts: non-coding transcript variant (2).
Genome position (GRCh38, 1-based): chr14:74,902,275, T>A. VCF-style: chr14-74902275-T-A. GRCh37 (hg19) VCF-style: chr14-75368978-T-A.
Other names: short protein forms L436H.
Identifiers: ClinVar variation 2637941 (VCV002637941.1), dbSNP rs1479568972, ClinGen allele CA390421101.